The following is an entry in ClinVar:

ClinVar aggregate classification (germline): Pathogenic. Review status: criteria provided, multiple submitters, no conflicts (2 of 4 stars). 2 submissions from 2 submitters: Pathogenic (2). Last evaluated 2025-10-01.

Conditions:
Cardiovascular phenotype. Identifiers: MedGen CN230736.
Long QT syndrome (LQTS). Identifiers: MedGen C0023976, MeSH D008133, MONDO:0002442. Disease mechanism: loss of function. Inheritance: Various modes of inheritance.

gnomAD v4.1: 1 of 1,611,896 alleles (0.000062%); highest among the groups gnomAD compares: Non-Finnish European, 0.000085%; no homozygotes.

Submissions (2):

Labcorp Genetics (formerly Invitae), Labcorp
Classification: Pathogenic for Long QT syndrome. Last evaluated: 2025-10-01. Review status: criteria provided, single submitter. Criteria: Invitae Variant Classification Sherloc (09022015). Collection method: clinical testing. Allele origin: germline.
Comment: This sequence change creates a premature translational stop signal (p.Glu50*) in the KCNH2 gene. It is expected to result in an absent or disrupted protein product. Loss-of-function variants in KCNH2 are known to be pathogenic (PMID: 10973849, 19862833). This variant is not present in population databases (gnomAD no frequency). This premature translational stop signal has been observed in individual(s) with Long QT Syndrome (PMID: 23158531). ClinVar contains an entry for this variant (Variation ID: 3720794). For these reasons, this variant has been classified as Pathogenic.

Ambry Genetics
Classification: Pathogenic for Cardiovascular phenotype. Last evaluated: 2025-05-21. Review status: criteria provided, single submitter. Criteria: Ambry Variant Classification Scheme 2023. Collection method: clinical testing. Allele origin: germline.
Comment: The p.E50* pathogenic mutation (also known as c.148G>T), located in coding exon 2 of the KCNH2 gene, results from a G to T substitution at nucleotide position 148. This changes the amino acid from a glutamic acid to a stop codon within coding exon 2. This variant has been reported in a long QT syndrome (LQTS) cohort (Crotti L et al. J Am Coll Cardiol, 2012 Dec;60:2515-24). This variant is considered to be rare based on population cohorts in the Genome Aggregation Database (gnomAD). In addition to the clinical data presented in the literature, this alteration is expected to result in loss of function by premature protein truncation or nonsense-mediated mRNA decay. As such, this alteration is interpreted as a disease-causing mutation.

Literature cited by the submitters: PubMed 10973849 (cited by Labcorp Genetics (formerly Invitae), Labcorp); PubMed 19862833 (cited by Labcorp Genetics (formerly Invitae), Labcorp); PubMed 23158531 (cited by Labcorp Genetics (formerly Invitae), Labcorp and Ambry Genetics).

NM_000238.4(KCNH2):c.148G>T (p.Glu50Ter)

Gene: KCNH2 (potassium voltage-gated channel subfamily H member 2; minus strand). Cytogenetic location: 7q36.1.
Variant type: single nucleotide variant.
Coding change: c.148G>T on transcript NM_000238.4 (MANE Select); coding-DNA position 148, G replaced by T.
Protein change: p.Glu50Ter; replaces glutamic acid 50 with a stop codon.
Molecular consequence: nonsense. On other transcripts: 5 prime UTR variant (1), non-coding transcript variant (1).
Genome position (GRCh38, 1-based): chr7:150,974,870, C>A on the plus strand (G>T on the coding strand, the complement: KCNH2 is on the minus strand). VCF-style: chr7-150974870-C-A. GRCh37 (hg19) VCF-style: chr7-150671958-C-A.
Other names: c.-30G>T (NM_001406755.1); c.148G>T, p.Glu50Ter (NM_172056.3); short protein forms E50*.
Identifiers: ClinVar variation 3720794 (VCV003720794.3).